The following is an entry in ClinVar:

NM_007194.4(CHEK2):c.601T>A (p.Phe201Ile)

Gene: CHEK2 (checkpoint kinase 2; minus strand). Cytogenetic location: 22q12.1.
Variant type: single nucleotide variant.
Coding change: c.601T>A on transcript NM_007194.4 (MANE Select); coding-DNA position 601, T replaced by A.
Protein change: p.Phe201Ile; replaces phenylalanine 201 with isoleucine.
Molecular consequence: missense variant. On other transcripts: 5 prime UTR variant (2), intron variant (1).
Genome position (GRCh38, 1-based): chr22:28,719,477, A>T on the plus strand (T>A on the coding strand, the complement: CHEK2 is on the minus strand). VCF-style: chr22-28719477-A-T. GRCh37 (hg19) VCF-style: chr22-29115465-A-T.
Other names: c.730T>A, p.Phe244Ile (NM_001005735.3, NM_001438294.1); c.-63T>A (NM_001257387.3, NM_001437942.1); c.694T>A, p.Phe232Ile (NM_001438293.1, NM_001438295.1); c.601T>A, p.Phe201Ile (NM_145862.3); c.482+5409T>A (NM_001349956.3); short protein forms F244I, F201I, F232I.
Identifiers: ClinVar variation 1035296 (VCV001035296.9), dbSNP rs786202416, ClinGen allele CA411105144.

ClinVar aggregate classification (germline): Uncertain significance (1 of 4 stars; one submission).

Conditions:
Familial cancer of breast. Also called: Hereditary breast cancer; BREAST CANCER, FAMILIAL; hereditary breast carcinoma. Identifiers: Orphanet 227535, MedGen C0346153, MONDO:0016419, OMIM 114480. Disease mechanism: loss of function.

Submission:

Labcorp Genetics (formerly Invitae), Labcorp
Classification: Uncertain significance for Familial cancer of breast. Last evaluated: 2023-12-01. Review status: criteria provided, single submitter. Criteria: Invitae Variant Classification Sherloc (09022015). Collection method: clinical testing. Allele origin: germline.
Comment: This sequence change replaces phenylalanine, which is neutral and non-polar, with isoleucine, which is neutral and non-polar, at codon 201 of the CHEK2 protein (p.Phe201Ile). This variant is not present in population databases (gnomAD no frequency). This variant has not been reported in the literature in individuals affected with CHEK2-related conditions. ClinVar contains an entry for this variant (Variation ID: 1035296). An algorithm developed to predict the effect of missense changes on protein structure and function (PolyPhen-2) suggests that this variant is likely to be disruptive. In summary, the available evidence is currently insufficient to determine the role of this variant in disease. Therefore, it has been classified as a Variant of Uncertain Significance.